The following is an entry in ClinVar:

ClinVar aggregate classification (germline): Likely benign (1 of 4 stars; one submission).

Submission:

GeneDx
Classification: Likely benign. Last evaluated: 2024-01-11. Review status: criteria provided, single submitter. Criteria: GeneDx Variant Classification Process June 2021. Collection method: clinical testing. Allele origin: germline. Affected: yes.
Comment: See Variant Classification Assertion Criteria.

NM_001348716.2(KDM6B):c.728G>A (p.Gly243Glu)

Gene: KDM6B (lysine demethylase 6B; plus strand). Cytogenetic location: 17p13.1.
Variant type: single nucleotide variant.
Coding change: c.728G>A on transcript NM_001348716.2 (MANE Select); coding-DNA position 728, G replaced by A.
Protein change: p.Gly243Glu; replaces glycine 243 with glutamic acid.
Molecular consequence: missense variant.
Genome position (GRCh38, 1-based): chr17:7,846,835, G>A. VCF-style: chr17-7846835-G-A. GRCh37 (hg19) VCF-style: chr17-7750153-G-A.
Other names: c.728G>A, p.Gly243Glu (NM_001080424.2); short protein forms G243E.
Identifiers: ClinVar variation 2572887 (VCV002572887.2), dbSNP rs2544522164, ClinGen allele CA397914103.